The following is an entry in ClinVar:

NM_015702.3(MMADHC):c.-60G>A

Genes: MMADHC (metabolism of cobalamin associated D; minus strand), MMADHC-DT (MMADHC divergent transcript; plus strand), LOC126806368 (MED14-independent group 3 enhancer GRCh37_chr2:150443500-150444699; plus strand). Cytogenetic location: 2q23.2.
Variant type: single nucleotide variant.
Coding change: c.-60G>A on transcript NM_015702.3 (MANE Select); 60 bases upstream of the start codon, G replaced by A.
Molecular consequence: 5 prime UTR variant. On other transcripts: non-coding transcript variant (1).
Genome position (GRCh38, 1-based): chr2:149,587,671, C>T on the plus strand (G>A on the coding strand, the complement: MMADHC is on the minus strand). VCF-style: chr2-149587671-C-T. GRCh37 (hg19) VCF-style: chr2-150444185-C-T.
Identifiers: ClinVar variation 331388 (VCV000331388.6), dbSNP rs886054923, ClinGen allele CA10611317.

ClinVar aggregate classification (germline): Conflicting classifications of pathogenicity. Review status: criteria provided, conflicting classifications (1 of 4 stars). 3 submissions from 2 submitters: Uncertain significance (2); Likely benign (1). Last evaluated 2018-05-21.

Conditions:
Disorders of Intracellular Cobalamin Metabolism. Identifiers: MedGen CN043592.
Methylmalonic aciduria and homocystinuria type cblD (MAHCD). Also called: Methylmalonic aciduria with homocystinuria cblD type; METHYLMALONIC ACIDEMIA, cblH TYPE. Identifiers: Orphanet 622, Orphanet 79283, MedGen C1848552, MONDO:0010185, OMIM 277410.

Allele frequency attached by ClinVar (database versions not stated): gnomAD 0.00009 and 0.00013; TOPMed 0.00017.

Submissions (3):

GeneDx
Classification: Likely benign. Last evaluated: 2018-05-21. Review status: criteria provided, single submitter. Criteria: GeneDx Variant Classification (06012015). Collection method: clinical testing. Allele origin: germline. Affected: yes.
Comment: This variant is considered likely benign or benign based on one or more of the following criteria: it is a conservative change, it occurs at a poorly conserved position in the protein, it is predicted to be benign by multiple in silico algorithms, and/or has population frequency not consistent with disease.

Illumina Laboratory Services, Illumina
Classification: Uncertain significance for Methylmalonic aciduria and homocystinuria type cblD. Last evaluated: 2018-01-13. Review status: criteria provided, single submitter. Criteria: ICSL Variant Classification Criteria 13 December 2019. Collection method: clinical testing. Allele origin: germline.

Illumina Laboratory Services, Illumina
Classification: Uncertain significance for Disorders of Intracellular Cobalamin Metabolism. Last evaluated: 2018-01-13. Review status: criteria provided, single submitter. Criteria: ICSL Variant Classification Criteria 13 December 2019. Collection method: clinical testing. Allele origin: germline.